The following is an entry in ClinVar:

NM_015378.4(VPS13D):c.3140C>T (p.Pro1047Leu)

Gene: VPS13D (vacuolar protein sorting 13 homolog D; plus strand). Cytogenetic location: 1p36.22.
Variant type: single nucleotide variant.
Coding change: c.3140C>T on transcript NM_015378.4 (MANE Select); coding-DNA position 3140, C replaced by T.
Protein change: p.Pro1047Leu; replaces proline 1047 with leucine.
Molecular consequence: missense variant.
Genome position (GRCh38, 1-based): chr1:12,276,728, C>T. VCF-style: chr1-12276728-C-T. GRCh37 (hg19) VCF-style: chr1-12336785-C-T.
Other names: c.3140C>T, p.Pro1047Leu (NM_018156.4); c.3140C>T (NM_015378.3); short protein forms P1047L.
Identifiers: ClinVar variation 1639723 (VCV001639723.10), dbSNP rs74853154, ClinGen allele CA601925.

ClinVar aggregate classification (germline): Benign. Review status: criteria provided, single submitter (1 of 4 stars). 2 submissions from 2 submitters: Benign (1). 1 of the submissions does not count toward it. Last evaluated 2026-01-18.

Conditions:
VPS13D-related disorder. Also called: VPS13D-related condition.

Allele frequency attached by ClinVar (database versions not stated): gnomAD 0.00051 and 0.00077; gnomAD exomes 0.00077 and 0.00186; TOPMed 0.00110; ExAC 0.00203; 1000 Genomes Project 30x 0.00328; 1000 Genomes Project 0.00379.
gnomAD v4.1: 1,255 of 1,614,124 alleles (0.078%); highest among the groups gnomAD compares: East Asian, 2.5%; 19 homozygotes.

Submissions (2):

Labcorp Genetics (formerly Invitae), Labcorp
Classification: Benign. Last evaluated: 2026-01-18. Review status: criteria provided, single submitter. Criteria: Invitae Variant Classification Sherloc (09022015). Collection method: clinical testing. Allele origin: germline.

PreventionGenetics, part of Exact Sciences
Classification: Benign for VPS13D-related condition. Last evaluated: 2019-08-07. Review status: no assertion criteria provided. Collection method: clinical testing. Allele origin: germline. Not counted in ClinVar's aggregate classification.
Comment: This variant is classified as benign based on ACMG/AMP sequence variant interpretation guidelines (Richards et al. 2015 PMID: 25741868, with internal and published modifications).